The following is an entry in ClinVar:

ClinVar aggregate classification (germline): Uncertain significance (1 of 4 stars; one submission).

Allele frequency attached by ClinVar (database versions not stated): gnomAD exomes below 0.00001.
gnomAD v4.1: 2 of 1,374,016 alleles (0.00015%); highest among the groups gnomAD compares: South Asian, 0.0019%; no homozygotes.

Submission:

Labcorp Genetics (formerly Invitae), Labcorp
Classification: Uncertain significance. Last evaluated: 2022-08-22. Review status: criteria provided, single submitter. Criteria: Invitae Variant Classification Sherloc (09022015). Collection method: clinical testing. Allele origin: germline.
Comment: In summary, the available evidence is currently insufficient to determine the role of this variant in disease. Therefore, it has been classified as a Variant of Uncertain Significance. Advanced modeling of protein sequence and biophysical properties (such as structural, functional, and spatial information, amino acid conservation, physicochemical variation, residue mobility, and thermodynamic stability) performed at Invitae indicates that this missense variant is expected to disrupt DEAF1 protein function. This variant has not been reported in the literature in individuals affected with DEAF1-related conditions. This variant is not present in population databases (gnomAD no frequency). This sequence change replaces proline, which is neutral and non-polar, with leucine, which is neutral and non-polar, at codon 40 of the DEAF1 protein (p.Pro40Leu).

NM_021008.4(DEAF1):c.119C>T (p.Pro40Leu)

Gene: DEAF1 (DEAF1 transcription factor; minus strand). Cytogenetic location: 11p15.5.
Variant type: single nucleotide variant.
Coding change: c.119C>T on transcript NM_021008.4 (MANE Select); coding-DNA position 119, C replaced by T.
Protein change: p.Pro40Leu; replaces proline 40 with leucine.
Molecular consequence: missense variant. On other transcripts: intron variant (1).
Genome position (GRCh38, 1-based): chr11:694,929, G>A on the plus strand (C>T on the coding strand, the complement: DEAF1 is on the minus strand). VCF-style: chr11-694929-G-A. GRCh37 (hg19) VCF-style: chr11-694929-G-A.
Other names: c.119C>T, p.Pro40Leu (NM_001293634.2); c.-437-3331C>T (NM_001367390.1); short protein forms P40L.
Identifiers: ClinVar variation 2122242 (VCV002122242.4), dbSNP rs1861044984, ClinGen allele CA378939976.